The following is an entry in ClinVar:

ClinVar aggregate classification (germline): Benign/Likely benign. Review status: criteria provided, multiple submitters, no conflicts (2 of 4 stars). 8 submissions from 8 submitters: Benign (4); Likely benign (2). 2 of the submissions do not count toward it. Last evaluated 2026-01-14.

Conditions:
Charcot-Marie-Tooth Neuropathy X. Identifiers: MedGen CN118851.
Charcot-Marie-Tooth disease. Also called: Charcot-Marie-Tooth Neuropathy; Charcot-Marie-Tooth Hereditary Neuropathy. Identifiers: Orphanet 166, MedGen C0007959, MONDO:0015626.
Charcot-Marie-Tooth disease X-linked dominant 1. Also called: CHARCOT-MARIE-TOOTH NEUROPATHY, X-LINKED, 1; CHARCOT-MARIE-TOOTH PERONEAL MUSCULAR ATROPHY, X-LINKED; HEREDITARY MOTOR AND SENSORY NEUROPATHY, X-LINKED; HMSN, X-LINKED; Charcot-Marie-Tooth Neuropathy X Type 1; X-linked Charcot-Marie-Tooth disease type 1. Identifiers: Orphanet 101075, MedGen C0393808, MONDO:0010549, OMIM 302800.

Allele frequency attached by ClinVar (database versions not stated): gnomAD 0.00022 and 0.00059; ESP Exome Variant Server 0.00028; TOPMed 0.00028; gnomAD exomes 0.00132 and 0.00241; 1000 Genomes Project 30x 0.00250; 1000 Genomes Project 0.00291; ExAC 0.00306.
gnomAD v4.1: 1,526 of 1,203,970 alleles (0.13%); highest among the groups gnomAD compares: South Asian, 2.1%; 18 homozygotes.

Submissions (8):

Labcorp Genetics (formerly Invitae), Labcorp
Classification: Benign for Charcot-Marie-Tooth Neuropathy X. Last evaluated: 2026-01-14. Review status: criteria provided, single submitter. Criteria: Invitae Variant Classification Sherloc (09022015). Collection method: clinical testing. Allele origin: germline.

Illumina Laboratory Services, Illumina
Classification: Benign for Charcot-Marie-Tooth disease X-linked dominant 1. Last evaluated: 2018-01-12. Review status: criteria provided, single submitter. Criteria: ICSL Variant Classification Criteria 13 December 2019. Collection method: clinical testing. Allele origin: germline.
Comment: This variant was observed in the ICSL laboratory as part of a predisposition screen in an ostensibly healthy population. It had not been previously curated by ICSL or reported in the Human Gene Mutation Database (HGMD: prior to June 1st, 2018), and was therefore a candidate for classification through an automated scoring system. Utilizing variant allele frequency, disease prevalence and penetrance estimates, and inheritance mode, an automated score was calculated to assess if this variant is too frequent to cause the disease. Based on the score and internal cut-off values, a variant classified as benign is not then subjected to further curation. The score for this variant resulted in a classification of benign for this disease.

Athena Diagnostics
Classification: Benign. Last evaluated: 2018-01-05. Review status: criteria provided, single submitter. Criteria: Athena Diagnostics Criteria. Collection method: clinical testing. Allele origin: germline.

GeneDx
Classification: Benign. Last evaluated: 2015-03-03. Review status: criteria provided, single submitter. Criteria: GeneDx Variant Classification Process June 2021. Collection method: clinical testing. Allele origin: germline. Affected: yes.

Breakthrough Genomics
Classification: Likely benign. Review status: criteria provided, single submitter. Criteria: ACMG Guidelines, 2015. Collection method: not provided. Allele origin: germline. Inheritance: X-linked inheritance. Affected: yes.

Molecular Genetics Laboratory, London Health Sciences Centre
Classification: Likely benign for Charcot-Marie-Tooth disease. Review status: criteria provided, single submitter. Criteria: ACMG Guidelines, 2015. Collection method: clinical testing. Allele origin: germline. Affected: yes.

Natera, Inc.
Classification: Likely benign for Charcot-Marie-Tooth disease. Last evaluated: 2019-12-04. Review status: no assertion criteria provided. Collection method: clinical testing. Allele origin: germline. Not counted in ClinVar's aggregate classification.

Inherited Neuropathy Consortium
Classification: Benign. Review status: no assertion criteria provided. Collection method: literature only. Allele origin: germline. Affected: yes. Not counted in ClinVar's aggregate classification.

Literature cited by the submitters: PubMed 11140841 (cited by Athena Diagnostics); PubMed 17100997 (cited by Inherited Neuropathy Consortium).

NM_000166.6(GJB1):c.507C>T (p.Asp169=)

Gene: GJB1 (gap junction protein beta 1; plus strand). Cytogenetic location: Xq13.1.
Variant type: single nucleotide variant.
Coding change: c.507C>T on transcript NM_000166.6 (MANE Select); coding-DNA position 507, C replaced by T.
Protein change: p.Asp169=; no amino-acid change (aspartic acid 169 retained).
Molecular consequence: synonymous variant.
Genome position (GRCh38, 1-based): chrX:71,224,214, C>T. VCF-style: chrX-71224214-C-T. GRCh37 (hg19) VCF-style: chrX-70444064-C-T.
Other names: c.507C>T, p.Asp169= (NM_001097642.3).
Identifiers: ClinVar variation 368626 (VCV000368626.24), dbSNP rs373334326, ClinGen allele CA10445309.